The following is an entry in ClinVar:

ClinVar aggregate classification (germline): Uncertain significance (1 of 4 stars; one submission).

Conditions:
Cardiovascular phenotype. Identifiers: MedGen CN230736.

Allele frequency attached by ClinVar (database versions not stated): ExAC 0.00001; gnomAD 0.00001.

Submission:

Ambry Genetics
Classification: Uncertain significance for Cardiovascular phenotype. Last evaluated: 2023-12-09. Review status: criteria provided, single submitter. Criteria: Ambry Variant Classification Scheme 2023. Collection method: clinical testing. Allele origin: germline.
Comment: The p.Q226L variant (also known as c.677A>T), located in coding exon 5 of the ABCG8 gene, results from an A to T substitution at nucleotide position 677. The glutamine at codon 226 is replaced by leucine, an amino acid with dissimilar properties. This amino acid position is highly conserved in available vertebrate species. In addition, the in silico prediction for this alteration is inconclusive. Since supporting evidence is limited at this time, the clinical significance of this alteration remains unclear.

NM_022437.3(ABCG8):c.677A>T (p.Gln226Leu)

Gene: ABCG8 (ATP binding cassette subfamily G member 8; plus strand). Cytogenetic location: 2p21.
Variant type: single nucleotide variant.
Coding change: c.677A>T on transcript NM_022437.3 (MANE Select); coding-DNA position 677, A replaced by T.
Protein change: p.Gln226Leu; replaces glutamine 226 with leucine.
Molecular consequence: missense variant.
Genome position (GRCh38, 1-based): chr2:43,852,469, A>T. VCF-style: chr2-43852469-A-T. GRCh37 (hg19) VCF-style: chr2-44079608-A-T.
Other names: c.677A>T, p.Gln226Leu (NM_001357321.2); short protein forms Q226L.
Identifiers: ClinVar variation 3227791 (VCV003227791.1), dbSNP rs754172713, ClinGen allele CA1637114.